The following is an entry in ClinVar:

NM_199420.4(POLQ):c.7672G>A (p.Val2558Ile)

Gene: POLQ (DNA polymerase theta; minus strand). Cytogenetic location: 3q13.33.
Variant type: single nucleotide variant.
Coding change: c.7672G>A on transcript NM_199420.4 (MANE Select); coding-DNA position 7672, G replaced by A.
Protein change: p.Val2558Ile; replaces valine 2558 with isoleucine.
Molecular consequence: missense variant.
Genome position (GRCh38, 1-based): chr3:121,432,405, C>T on the plus strand (G>A on the coding strand, the complement: POLQ is on the minus strand). VCF-style: chr3-121432405-C-T. GRCh37 (hg19) VCF-style: chr3-121151252-C-T.
Other names: short protein forms V2558I.
Identifiers: ClinVar variation 1760079 (VCV001760079.2), dbSNP rs995367527, ClinGen allele CA81836456.

ClinVar aggregate classification (germline): Uncertain significance (1 of 4 stars; one submission).

Allele frequency attached by ClinVar (database versions not stated): TOPMed below 0.00001.

Submission:

Ambry Genetics
Classification: Uncertain significance. Last evaluated: 2022-09-26. Review status: criteria provided, single submitter. Criteria: Ambry Variant Classification Scheme 2023. Collection method: clinical testing. Allele origin: germline.
Comment: The p.V2558I variant (also known as c.7672G>A), located in coding exon 30 of the POLQ gene, results from a G to A substitution at nucleotide position 7672. The valine at codon 2558 is replaced by isoleucine, an amino acid with highly similar properties. This amino acid position is conserved. In addition, the in silico prediction for this alteration is inconclusive. Since supporting evidence is limited at this time, the clinical significance of this alteration remains unclear.